The following is an entry in ClinVar:

NM_000126.4(ETFA):c.805A>T (p.Ile269Leu)

Gene: ETFA (electron transfer flavoprotein subunit alpha; minus strand). Cytogenetic location: 15q24.2.
Variant type: single nucleotide variant.
Coding change: c.805A>T on transcript NM_000126.4 (MANE Select); coding-DNA position 805, A replaced by T.
Protein change: p.Ile269Leu; replaces isoleucine 269 with leucine.
Molecular consequence: missense variant.
Genome position (GRCh38, 1-based): chr15:76,274,423, T>A on the plus strand (A>T on the coding strand, the complement: ETFA is on the minus strand). VCF-style: chr15-76274423-T-A. GRCh37 (hg19) VCF-style: chr15-76566764-T-A.
Other names: c.658A>T, p.Ile220Leu (NM_001127716.2); short protein forms I269L, I220L.
Identifiers: ClinVar variation 1981457 (VCV001981457.1), dbSNP rs763255629, ClinGen allele CA7673620.

ClinVar aggregate classification (germline): Uncertain significance (1 of 4 stars; one submission).

Conditions:
Multiple acyl-CoA dehydrogenase deficiency (MADD). Also called: ETHYLMALONIC-ADIPICACIDURIA; GA II; Glutaric aciduria, type 2; Glutaric acidemia type II; GA 2; Glutaric Acidemia type 2. Identifiers: Orphanet 26791, MedGen C0268596, MONDO:0009282, OMIM 231680.

Allele frequency attached by ClinVar (database versions not stated): ExAC 0.00001; gnomAD 0.00001; TOPMed 0.00001.
gnomAD v4.1: 1 of 1,609,086 alleles (0.000062%); highest among the groups gnomAD compares: Non-Finnish European, 0.000085%; no homozygotes.

Submission:

Labcorp Genetics (formerly Invitae), Labcorp
Classification: Uncertain significance for Multiple acyl-CoA dehydrogenase deficiency. Last evaluated: 2022-05-03. Review status: criteria provided, single submitter. Criteria: Invitae Variant Classification Sherloc (09022015). Collection method: clinical testing. Allele origin: germline.
Comment: This sequence change replaces isoleucine, which is neutral and non-polar, with leucine, which is neutral and non-polar, at codon 269 of the ETFA protein (p.Ile269Leu). This variant is present in population databases (rs763255629, gnomAD 0.0009%). This variant has not been reported in the literature in individuals affected with ETFA-related conditions. Algorithms developed to predict the effect of missense changes on protein structure and function are either unavailable or do not agree on the potential impact of this missense change (SIFT: "Deleterious"; PolyPhen-2: "Possibly Damaging"; Align-GVGD: "Class C0"). In summary, the available evidence is currently insufficient to determine the role of this variant in disease. Therefore, it has been classified as a Variant of Uncertain Significance.